The following is an entry in ClinVar:

NM_002439.5(MSH3):c.1865_1868del (p.Glu622fs)

Gene: MSH3 (mutS homolog 3; plus strand). Cytogenetic location: 5q14.1.
Variant type: Microsatellite.
Coding change: c.1865_1868del on transcript NM_002439.5 (MANE Select); coding-DNA positions 1865 to 1868, 4 bases deleted (AGAG; older notation c.1865_1868delAGAG).
Protein change: p.Glu622fs; shifts the reading frame from glutamic acid 622.
Molecular consequence: frameshift variant.
Genome position (GRCh38, 1-based): chr5:80,761,647-80,761,650, AGAG deleted; deleting any 4 consecutive bases within chr5:80,761,645-80,761,650 gives the same sequence; the c. name uses the placement nearest the transcript's 3' end. VCF-style (leftmost placement, unchanged base first): chr5-80761644-TAGAG-T. GRCh37 (hg19) VCF-style: chr5-80057463-TAGAG-T.
Other names: short protein forms E622fs.
Identifiers: ClinVar variation 4071396 (VCV004071396.1).

ClinVar aggregate classification (germline): Pathogenic (1 of 4 stars; one submission).

Conditions:
Familial adenomatous polyposis 4 (FAP4). Also called: MSH3-related attenuated familial adenomatous polyposis. Identifiers: Orphanet 480536, MedGen C4310719, MONDO:0044300, OMIM 617100.

Submission:

Myriad Genetics, Inc.
Classification: Pathogenic for Familial adenomatous polyposis 4. Last evaluated: 2025-05-13. Review status: criteria provided, single submitter. Criteria: Myriad Autosomal Dominant, Autosomal Recessive and X-Linked Classification Criteria (2023). Collection method: clinical testing. Allele origin: unknown.
Comment: This variant is considered pathogenic. This variant creates a frameshift predicted to result in premature protein truncation.